The following is an entry in ClinVar:

NM_000541.5(SAG):c.587C>A (p.Ala196Glu)

Gene: SAG (S-antigen visual arrestin; plus strand). Cytogenetic location: 2q37.1.
Variant type: single nucleotide variant.
Coding change: c.587C>A on transcript NM_000541.5 (MANE Select); coding-DNA position 587, C replaced by A.
Protein change: p.Ala196Glu; replaces alanine 196 with glutamic acid.
Molecular consequence: missense variant.
Genome position (GRCh38, 1-based): chr2:233,328,552, C>A. VCF-style: chr2-233328552-C-A. GRCh37 (hg19) VCF-style: chr2-234237198-C-A.
Other names: short protein forms A196E.
Identifiers: ClinVar variation 2419840 (VCV002419840.6), dbSNP rs556476934, ClinGen allele CA351047531.

ClinVar aggregate classification (germline): Uncertain significance (1 of 4 stars; one submission).

Submission:

Labcorp Genetics (formerly Invitae), Labcorp
Classification: Uncertain significance. Last evaluated: 2022-09-27. Review status: criteria provided, single submitter. Criteria: Invitae Variant Classification Sherloc (09022015). Collection method: clinical testing. Allele origin: germline.
Comment: This sequence change replaces alanine, which is neutral and non-polar, with glutamic acid, which is acidic and polar, at codon 196 of the SAG protein (p.Ala196Glu). This variant is present in population databases (no rsID available, gnomAD 0.0009%). This variant has not been reported in the literature in individuals affected with SAG-related conditions. Advanced modeling of protein sequence and biophysical properties (such as structural, functional, and spatial information, amino acid conservation, physicochemical variation, residue mobility, and thermodynamic stability) performed at Invitae indicates that this missense variant is not expected to disrupt SAG protein function. In summary, the available evidence is currently insufficient to determine the role of this variant in disease. Therefore, it has been classified as a Variant of Uncertain Significance.